The following is an entry in ClinVar:

NM_006361.6(HOXB13):c.454C>G (p.Leu152Val)

Gene: HOXB13 (homeobox B13; minus strand). Cytogenetic location: 17q21.32.
Variant type: single nucleotide variant.
Coding change: c.454C>G on transcript NM_006361.6 (MANE Select); coding-DNA position 454, C replaced by G.
Protein change: p.Leu152Val; replaces leucine 152 with valine.
Molecular consequence: missense variant.
Genome position (GRCh38, 1-based): chr17:48,728,140, G>C on the plus strand (C>G on the coding strand, the complement: HOXB13 is on the minus strand). VCF-style: chr17-48728140-G-C. GRCh37 (hg19) VCF-style: chr17-46805502-G-C.
Other names: short protein forms L152V.
Identifiers: ClinVar variation 3368270 (VCV003368270.3).
Genomic context (GRCh38, chr17:48,728,140, plus strand): 5'-AAGACTGGTAACTGTCCACAGGCAACAGGGAGTCATGTCGCGGTTCTCCAGGAGCACCCA[G>C]AGTCTGCACCACAGACACGTCCAGGTAACTGGCCATAGGCTGGTAGGTTCCCGGATATCC-3'
Protein context (NP_006352.2, residues 142-162): SYLDVSVVQT[Leu152Val]GAPGEPRHDS

ClinVar aggregate classification (germline): Uncertain significance. Review status: criteria provided, multiple submitters, no conflicts (2 of 4 stars). 2 submissions from 2 submitters: Uncertain significance (2). Last evaluated 2024-10-06.

gnomAD v4.1: 1 of 1,614,214 alleles (0.000062%); highest among the groups gnomAD compares: Non-Finnish European, 0.000085%; no homozygotes.

Submissions (2):

Labcorp Genetics (formerly Invitae), Labcorp
Classification: Uncertain significance. Last evaluated: 2024-10-06. Review status: criteria provided, single submitter. Criteria: Invitae Variant Classification Sherloc (09022015). Collection method: clinical testing. Allele origin: germline.
Comment: This sequence change replaces leucine, which is neutral and non-polar, with valine, which is neutral and non-polar, at codon 152 of the HOXB13 protein (p.Leu152Val). This variant is not present in population databases (gnomAD no frequency). This variant has not been reported in the literature in individuals affected with HOXB13-related conditions. Invitae Evidence Modeling of protein sequence and biophysical properties (such as structural, functional, and spatial information, amino acid conservation, physicochemical variation, residue mobility, and thermodynamic stability) indicates that this missense variant is not expected to disrupt HOXB13 protein function with a negative predictive value of 80%. In summary, the available evidence is currently insufficient to determine the role of this variant in disease. Therefore, it has been classified as a Variant of Uncertain Significance.

GeneDx
Classification: Uncertain significance. Last evaluated: 2024-01-23. Review status: criteria provided, single submitter. Criteria: GeneDx Variant Classification Process June 2021. Collection method: clinical testing. Allele origin: germline. Affected: yes.
Comment: Not observed at significant frequency in large population cohorts (gnomAD); In silico analysis supports that this missense variant does not alter protein structure/function; Has not been previously published as pathogenic or benign to our knowledge